The following is an entry in ClinVar:

NM_014855.3(AP5Z1):c.1595+4C>T

Gene: AP5Z1 (adaptor related protein complex 5 subunit zeta 1; plus strand). Cytogenetic location: 7p22.1.
Variant type: single nucleotide variant.
Coding change: c.1595+4C>T on transcript NM_014855.3 (MANE Select); 4 bases into the intron after coding-DNA position 1595, C replaced by T.
Molecular consequence: intron variant.
Genome position (GRCh38, 1-based): chr7:4,788,298, C>T. VCF-style: chr7-4788298-C-T. GRCh37 (hg19) VCF-style: chr7-4827929-C-T.
Other names: c.1595+4C>T (LRG_1247t1); c.1127+4C>T (NM_001364858.1).
Identifiers: ClinVar variation 412229 (VCV000412229.12), dbSNP rs141607676, ClinGen allele CA4137885.
Genomic context (GRCh38, chr7:4,788,298, plus strand): 5'-GTTCCAGGGTCTTTTCCAATACCTGCTGCGCCCCAAGGCCAGTGGCGCCACTGAGAGGTA[C>T]GGGGCCCTAGGGCCAGGGGGCCACCAGTGGCTCAGAGAGCCCGGCCACAGCCACTGGGGT-3'

ClinVar aggregate classification (germline): Conflicting classifications of pathogenicity. Review status: criteria provided, conflicting classifications (1 of 4 stars). 3 submissions from 3 submitters: Uncertain significance (2); Likely benign (1). Last evaluated 2023-07-17.

Conditions:
Hereditary spastic paraplegia 48. Also called: Spastic paraplegia 48; SPASTIC PARAPLEGIA 48, AUTOSOMAL RECESSIVE. Identifiers: Orphanet 306511, MedGen C3150901, MONDO:0013342, OMIM 613647.

Allele frequency attached by ClinVar (database versions not stated): gnomAD exomes 0.00010; 1000 Genomes Project 30x 0.00031; ESP Exome Variant Server 0.00034; gnomAD 0.00036 and 0.00039; ExAC 0.00037; TOPMed 0.00037; 1000 Genomes Project 0.00060.
gnomAD v4.1: 159 of 1,583,642 alleles (0.01%); highest among the groups gnomAD compares: African/African-American, 0.13%; 1 homozygote.

Submissions (3):

Labcorp Genetics (formerly Invitae), Labcorp
Classification: Uncertain significance for Hereditary spastic paraplegia 48. Last evaluated: 2023-07-17. Review status: criteria provided, single submitter. Criteria: Invitae Variant Classification Sherloc (09022015). Collection method: clinical testing. Allele origin: germline.
Comment: This sequence change falls in intron 12 of the AP5Z1 gene. It does not directly change the encoded amino acid sequence of the AP5Z1 protein. It affects a nucleotide within the consensus splice site. This variant is present in population databases (rs141607676, gnomAD 0.1%). This variant has not been reported in the literature in individuals affected with AP5Z1-related conditions. ClinVar contains an entry for this variant (Variation ID: 412229). Variants that disrupt the consensus splice site are a relatively common cause of aberrant splicing (PMID: 17576681, 9536098). Algorithms developed to predict the effect of sequence changes on RNA splicing suggest that this variant is not likely to affect RNA splicing. In summary, the available evidence is currently insufficient to determine the role of this variant in disease. Therefore, it has been classified as a Variant of Uncertain Significance.

GeneDx
Classification: Likely benign. Last evaluated: 2019-05-21. Review status: criteria provided, single submitter. Criteria: GeneDx Variant Classification Process June 2021. Collection method: clinical testing. Allele origin: germline. Affected: yes.

Illumina Laboratory Services, Illumina
Classification: Uncertain significance for Hereditary spastic paraplegia 48. Last evaluated: 2018-01-12. Review status: criteria provided, single submitter. Criteria: ICSL Variant Classification Criteria 13 December 2019. Collection method: clinical testing. Allele origin: germline.

Literature cited by the submitters: PubMed 17576681 (cited by Labcorp Genetics (formerly Invitae), Labcorp); PubMed 9536098 (cited by Labcorp Genetics (formerly Invitae), Labcorp).